The following is an entry in ClinVar:

ClinVar aggregate classification (germline): Uncertain significance (1 of 4 stars; one submission).

Submission:

Labcorp Genetics (formerly Invitae), Labcorp
Classification: Uncertain significance. Last evaluated: 2022-06-03. Review status: criteria provided, single submitter. Criteria: Invitae Variant Classification Sherloc (09022015). Collection method: clinical testing. Allele origin: germline.
Comment: In summary, the available evidence is currently insufficient to determine the role of this variant in disease. Therefore, it has been classified as a Variant of Uncertain Significance. Algorithms developed to predict the effect of missense changes on protein structure and function are either unavailable or do not agree on the potential impact of this missense change (SIFT: "Deleterious"; PolyPhen-2: "Benign"; Align-GVGD: "Class C0"). This variant has not been reported in the literature in individuals affected with ALPK3-related conditions. This variant is not present in population databases (gnomAD no frequency). This sequence change replaces proline, which is neutral and non-polar, with leucine, which is neutral and non-polar, at codon 580 of the ALPK3 protein (p.Pro580Leu).

NM_020778.5(ALPK3):c.1133C>T (p.Pro378Leu)

Gene: ALPK3 (alpha kinase 3; plus strand). Cytogenetic location: 15q25.3.
Variant type: single nucleotide variant.
Coding change: c.1133C>T on transcript NM_020778.5 (MANE Select); coding-DNA position 1133, C replaced by T.
Protein change: p.Pro378Leu; replaces proline 378 with leucine.
Molecular consequence: missense variant.
Genome position (GRCh38, 1-based): chr15:84,840,412, C>T. VCF-style: chr15-84840412-C-T. GRCh37 (hg19) VCF-style: chr15-85383643-C-T.
Other names: short protein forms P378L.
Identifiers: ClinVar variation 1946987 (VCV001946987.5), dbSNP rs2505706079, ClinGen allele CA393374538.